The following is an entry in ClinVar:

ClinVar aggregate classification (germline): Conflicting classifications of pathogenicity. Review status: criteria provided, conflicting classifications (1 of 4 stars). 6 submissions from 6 submitters: Uncertain significance (1); Benign (2); Likely benign (2). 1 of the submissions does not count toward it. Last evaluated 2026-01-31.

Conditions:
Congenital lactic acidosis, Saguenay-Lac-Saint-Jean type (MC4DN5). Also called: CYTOCHROME c OXIDASE DEFICIENCY, FRENCH CANADIAN TYPE; COX DEFICIENCY, FRENCH CANADIAN TYPE; MITOCHONDRIAL COMPLEX IV DEFICIENCY, NUCLEAR TYPE 5. Identifiers: Orphanet 70472, MedGen C1857355, MONDO:0009069, OMIM 220111.

Allele frequency attached by ClinVar (database versions not stated): ExAC 0.00039; gnomAD 0.00572 and 0.00631; 1000 Genomes Project 30x 0.00609; TOPMed 0.00632; 1000 Genomes Project 0.00719.
gnomAD v4.1: 1,626 of 1,508,570 alleles (0.11%); highest among the groups gnomAD compares: African/African-American, 2.1%; 15 homozygotes.

Submissions (6):

Labcorp Genetics (formerly Invitae), Labcorp
Classification: Benign. Last evaluated: 2026-01-31. Review status: criteria provided, single submitter. Criteria: Invitae Variant Classification Sherloc (09022015). Collection method: clinical testing. Allele origin: germline.

Blueprint Genetics
Classification: Likely benign. Last evaluated: 2024-11-25. Review status: criteria provided, single submitter. Criteria: ACMG Guidelines, 2015. Collection method: clinical testing. Allele origin: germline.

ARUP Laboratories, Molecular Genetics and Genomics, ARUP Laboratories
Classification: Likely benign for Congenital lactic acidosis, Saguenay-Lac-Saint-Jean type. Last evaluated: 2023-11-22. Review status: criteria provided, single submitter. Criteria: ARUP Molecular Germline Variant Investigation Process 2024. Collection method: clinical testing. Allele origin: germline.

Illumina Laboratory Services, Illumina
Classification: Uncertain significance for Congenital lactic acidosis, Saguenay-Lac-Saint-Jean type. Last evaluated: 2018-01-12. Review status: criteria provided, single submitter. Criteria: ICSL Variant Classification Criteria 13 December 2019. Collection method: clinical testing. Allele origin: germline.

GeneDx
Classification: Benign. Last evaluated: 2013-12-26. Review status: criteria provided, single submitter. Criteria: GeneDx Variant Classification (06012015). Collection method: clinical testing. Allele origin: germline. Affected: yes.
Comment: This variant is considered likely benign or benign based on one or more of the following criteria: it is a conservative change, it occurs at a poorly conserved position in the protein, it is predicted to be benign by multiple in silico algorithms, and/or has population frequency not consistent with disease.

Natera, Inc.
Classification: Likely benign for French-Canadian type Leigh syndrome. Last evaluated: 2019-11-11. Review status: no assertion criteria provided. Collection method: clinical testing. Allele origin: germline. Not counted in ClinVar's aggregate classification.

NM_133259.4(LRPPRC):c.58C>T (p.Leu20Phe)

Gene: LRPPRC (leucine rich pentatricopeptide repeat containing; minus strand). Cytogenetic location: 2p21.
Variant type: single nucleotide variant.
Coding change: c.58C>T on transcript NM_133259.4 (MANE Select); coding-DNA position 58, C replaced by T.
Protein change: p.Leu20Phe; replaces leucine 20 with phenylalanine.
Molecular consequence: missense variant.
Genome position (GRCh38, 1-based): chr2:43,995,890, G>A on the plus strand (C>T on the coding strand, the complement: LRPPRC is on the minus strand). VCF-style: chr2-43995890-G-A. GRCh37 (hg19) VCF-style: chr2-44223029-G-A.
Other names: p.L20F:CTC>TTC; short protein forms L20F.
Identifiers: ClinVar variation 138149 (VCV000138149.24), dbSNP rs184339274, ClinGen allele CA291981.
Genomic context (GRCh38, chr2:43,995,890, plus strand): 5'-GATAGGAGGCGGCATGCAGCCGGCCCGGGCCGCCAGGGAGGAGGCGCAGGGAGAGCGGGA[G>A]GCGCGGGGCCGCCCCGGCACGCAGCAACCAACGCGCGGATCTCAGCAGGGCTGCCATTGC-3'
Protein context (NP_573566.2, residues 10-30): WLLRAGAAPR[Leu20Phe]PLSLRLLPGG